The following is an entry in ClinVar:

ClinVar aggregate classification (germline): Benign/Likely benign. Review status: criteria provided, multiple submitters, no conflicts (2 of 4 stars). 2 submissions from 2 submitters: Benign (1); Likely benign (1). Last evaluated 2025-04-09.

Submissions (2):

Molecular Diagnostic Laboratory for Inherited Cardiovascular Disease, Montreal Heart Institute
Classification: Benign. Last evaluated: 2025-04-09. Review status: criteria provided, single submitter. Criteria: ACMG Guidelines, 2015. Collection method: clinical testing. Allele origin: germline. Affected: no.
Comment: BS1;BP7

Blueprint Genetics
Classification: Likely benign. Last evaluated: 2024-11-13. Review status: criteria provided, single submitter. Criteria: ACMG Guidelines, 2015. Collection method: clinical testing. Allele origin: germline.

NM_001281740.3(FHOD3):c.1551C>T (p.Tyr517=)

Gene: FHOD3 (formin homology 2 domain containing 3; plus strand). Cytogenetic location: 18q12.2.
Variant type: single nucleotide variant.
Coding change: c.1551C>T on transcript NM_001281740.3 (MANE Select); coding-DNA position 1551, C replaced by T.
Protein change: p.Tyr517=; no amino-acid change (tyrosine 517 retained).
Molecular consequence: synonymous variant. On other transcripts: intron variant (2).
Genome position (GRCh38, 1-based): chr18:36,652,834, C>T. VCF-style: chr18-36652834-C-T. GRCh37 (hg19) VCF-style: chr18-34232797-C-T.
Other names: c.1197-5241C>T (NM_025135.5, NM_001281739.3).
Identifiers: ClinVar variation 3895199 (VCV003895199.2), dbSNP rs78859108.
Genomic context (GRCh38, chr18:36,652,834, plus strand): 5'-GCCCTCCTCCGCCACACCAGGCTCCCTGAAGGTGTCACCGACCATAGACAAGCTGCCCTA[C>T]GTGCCCCACAGCCCCTTCCACCTCTTCTCCTATGACTTTGAGGACTCCTCCCTGTCCACC-3'
Protein context (NP_001268669.1, residues 507-527): KVSPTIDKLP[Tyr517=]VPHSPFHLFS